The following is an entry in ClinVar:

NM_000157.4(GBA1):c.680A>G (p.Asn227Ser)

Genes: GBA1 (glucosylceramidase beta 1; minus strand), LOC106627981 (GBA recombination region; plus strand). Cytogenetic location: 1q22.
Variant type: single nucleotide variant.
Coding change: c.680A>G on transcript NM_000157.4 (MANE Select); coding-DNA position 680, A replaced by G.
Protein change: p.Asn227Ser; replaces asparagine 227 with serine.
Molecular consequence: missense variant.
Genome position (GRCh38, 1-based): chr1:155,238,215, T>C on the plus strand (A>G on the coding strand, the complement: GBA1 is on the minus strand). VCF-style: chr1-155238215-T-C. GRCh37 (hg19) VCF-style: chr1-155208006-T-C.
Other names: N188S; c.680A>G (NM_000157.3); c.680A>G, p.Asn227Ser (NM_001005741.3, NM_001005742.3); c.419A>G, p.Asn140Ser (NM_001171811.2); c.533A>G, p.Asn178Ser (NM_001171812.2); short protein forms N227S, N140S, N178S.
Identifiers: ClinVar variation 4314 (VCV000004314.54), dbSNP rs364897, ClinGen allele CA253086.
Genomic context (GRCh38, chr1:155,238,215, plus strand): 5'-GTCTGGTGGTAGATGTCTCCGGGCTGTCCCTTGAGTGACCCCTTCCCATTCACCGCTCCA[T>C]TGGTCTTGAGCCAAGTGGGTGATGTCCAGGGGCTGGCAAGGAGTGAAACGGGACGCTGGG-3'
Protein context (NP_000148.2, residues 217-237): PWTSPTWLKT[Asn227Ser]GAVNGKGSLK

ClinVar aggregate classification (germline): Pathogenic. Review status: criteria provided, multiple submitters, no conflicts (2 of 4 stars). 18 submissions from 17 submitters: Pathogenic (15). 3 of the submissions do not count toward it. Last evaluated 2026-07-01.

Conditions:
GBA-related disorder. Also called: GBA-related disorders.
autosomal dominant GBA1-related disorders.
Parkinson disease, late-onset (PD). Also called: Susceptibility to Parkinson's Disease; PARKINSON DISEASE, LATE-ONSET, SUSCEPTIBILITY TO; Hereditary late onset Parkinson disease. Identifiers: Orphanet 411602, MedGen C3160718, MONDO:0008199, OMIM 168600.
Gaucher disease-ophthalmoplegia-cardiovascular calcification syndrome. Also called: GAUCHER DISEASE, TYPE IIIC. Identifiers: Orphanet 2072, MedGen C1856476, MONDO:0009268, OMIM 231005.
Gaucher disease perinatal lethal. Also called: Gaucher disease collodion type; Gaucher Disease, Perinatal-Lethal Form. Identifiers: Orphanet 85212, MedGen C1842704, MONDO:0011945, OMIM 608013.
Gaucher disease type I (GD1). Also called: GAUCHER DISEASE, NONCEREBRAL JUVENILE; GBA DEFICIENCY; GD I; GLUCOCEREBROSIDASE DEFICIENCY; ACID BETA-GLUCOSIDASE DEFICIENCY; GD 1. Identifiers: Orphanet 355, Orphanet 77259, MedGen C1961835, MONDO:0009265, OMIM 230800.
Gaucher disease type II (GD2). Also called: GAUCHER DISEASE, ACUTE NEURONOPATHIC TYPE; GD II; Type 2 Gaucher disease (Acute; Infantile); Acute neuronopathic Gaucher's disease. Identifiers: Orphanet 77260, MedGen C0268250, MONDO:0009266, OMIM 230900.
Gaucher disease type III. Also called: GAUCHER DISEASE, CHRONIC NEURONOPATHIC TYPE; GAUCHER DISEASE, JUVENILE AND ADULT, CEREBRAL; GAUCHER DISEASE, SUBACUTE NEURONOPATHIC TYPE; GD III; Gaucher Disease, Type 3; Type 3 Gaucher disease (Subacute; Juvenile). Identifiers: Orphanet 355, Orphanet 77261, MedGen C0268251, MONDO:0009267, OMIM 231000.
Lewy body dementia (DLB). Also called: Lewy Body Disease. Identifiers: MedGen C0752347, MONDO:0007488, OMIM 127750.
Gaucher disease. Also called: Acute cerebral Gaucher disease; Cerebroside lipidosis syndrome; Gaucher splenomegaly; Sphingolipidosis 1; Glucocerebrosidosis; Glucosylceramidase deficiency. Identifiers: Orphanet 355, MedGen C0017205, MONDO:0018150.

Allele frequency attached by ClinVar (database versions not stated): gnomAD exomes 0.00007 and 0.00006; gnomAD 0.00011 and 0.00009; TOPMed 0.00012; 1000 Genomes Project 0.00020; ExAC 0.00007; 1000 Genomes Project 30x 0.00016.
gnomAD v4.1: 100 of 1,612,400 alleles (0.0062%); highest among the groups gnomAD compares: African/African-American, 0.02%; no homozygotes.

Submissions 1 to 7 of 18:

CeGaT Center for Human Genetics Tuebingen
Classification: Pathogenic. Last evaluated: 2026-07-01. Review status: criteria provided, single submitter. Criteria: CeGaT Center For Human Genetics Tuebingen Variant Classification Criteria Version 2. Collection method: clinical testing. Allele origin: germline. Affected: yes. Observed: 4 variant alleles.
Comment: GBA1: PM3:Very Strong, PM2, PM5, PS3:Supporting

Foundation for Research in Genetics and Endocrinology, FRIGE's Institute of Human Genetics
Classification: Pathogenic for Gaucher disease type II. Last evaluated: 2026-02-12. Review status: criteria provided, single submitter. Criteria: ACMG Guidelines, 2015. Collection method: clinical testing. Allele origin: germline. Inheritance: Autosomal recessive inheritance. Affected: yes. Observed: 1 variant allele, 1 compound heterozygote.
Comment: A heterozygous missense variant in exon 6 of the GBA1 gene that results in the amino acid substitution of Serine for Asparagine at codon 227 was detected. The observed variant c.680A>G has a minor allele frequency of 0.02% in the 1000 genomes and gnomAD databases. The in-silico prediction of the variant is deleterious by MutationTaster2 and FATHMM. In summary, the variant meets our criteria to be classified as pathogenic.

Natera, Inc.
Classification: Pathogenic for Gaucher disease. Last evaluated: 2025-09-30. Review status: criteria provided, single submitter. Criteria: Natera Variant Classification Schema (03/2026). Collection method: clinical testing. Allele origin: germline.
Comment: The c.680A>G variant in GBA1 is a missense variant predicted to cause substitution of asparagine to serine at amino acid 227. This variant is rare in the general population with a frequency below the threshold expected for the associated phenotype(s). This variant has been observed in one or more individuals affected with the associated recessive disease, as either homozygous or compound heterozygous with a second variant (PMID: 27856178, 28727984, 26709268). Given the available evidence, this variant is classified as Pathogenic.

Labcorp Genetics (formerly Invitae), Labcorp
Classification: Pathogenic. Last evaluated: 2025-08-13. Review status: criteria provided, single submitter. Criteria: Invitae Variant Classification Sherloc (09022015). Collection method: clinical testing. Allele origin: germline.
Comment: This sequence change replaces asparagine, which is neutral and polar, with serine, which is neutral and polar, at codon 227 of the GBA protein (p.Asn227Ser). This variant is present in population databases (rs364897, gnomAD 0.02%). This missense change has been observed in individuals with Gaucher disease and/or Parkinson's disease (PMID: 8829654, 21056933, 22387070, 26709268). This variant is also known as p.Asn188Ser or N188S. ClinVar contains an entry for this variant (Variation ID: 4314). Invitae Evidence Modeling of protein sequence and biophysical properties (such as structural, functional, and spatial information, amino acid conservation, physicochemical variation, residue mobility, and thermodynamic stability) indicates that this missense variant is not expected to disrupt GBA protein function with a negative predictive value of 80%. Experimental studies have shown that this missense change affects GBA function (PMID: 15146461, 20004867, 24022302). For these reasons, this variant has been classified as Pathogenic.

Variantyx, Inc.
Classification: Pathogenic for autosomal dominant GBA1-related disorders. Last evaluated: 2025-05-06. Review status: criteria provided, single submitter. Criteria: Variantyx Assertion Criteria 2022. Collection method: clinical testing. Allele origin: germline. Inheritance: Autosomal dominant inheritance. Affected: yes.
Comment: This is a nonsynonymous variant in the GBA gene (OMIM: 606463). Pathogenic variants in this gene have been associated with autosomal dominant GBA-related disorders. This variant has been reported in the compound heterozygous state in many unrelated affected individuals with Gaucher disease and as heterozygous in unrelated affected individuals with early onset Parkinson's disease (PMID: 33176831, 20004867, 34779914, 35861376, 32677286) (PM3_Very_Strong). Computational algorithms produce conflicting evidence regarding the predicted functional impact of this variant (REVEL score: 0.494), but functional studies have shown that this variant alters GBA protein function, and it is consistently shown to be a modifier variant (PMID: 24022302, 20004867, 15146461, 33176831) (PS3). This variant has a 0.02% maximum allele frequency in non-founder control populations (PM2_Supporting). Based on the current evidence, this variant is classified as pathogenic for autosomal dominant GBA-related disorders.

Revvity Omics, Revvity
Classification: Pathogenic. Last evaluated: 2024-12-13. Review status: criteria provided, single submitter. Criteria: ACMG Guidelines, 2015. Collection method: clinical testing. Allele origin: germline.

Blueprint Genetics
Classification: Pathogenic for GBA-related disorders. Last evaluated: 2024-09-09. Review status: criteria provided, single submitter. Criteria: ACMG Guidelines, 2015. Collection method: clinical testing. Allele origin: germline. Affected: yes. Observed: 5 variant alleles.